The following is an entry in ClinVar:

ClinVar aggregate classification (germline): Uncertain significance (1 of 4 stars; one submission).

Conditions:
Aortic valve disease 2 (AOVD2). Identifiers: MedGen C3542024, MONDO:0013902, OMIM 614823.

Allele frequency attached by ClinVar (database versions not stated): gnomAD exomes below 0.00001.

Submission:

Labcorp Genetics (formerly Invitae), Labcorp
Classification: Uncertain significance for Aortic valve disease 2. Last evaluated: 2024-04-01. Review status: criteria provided, single submitter. Criteria: Invitae Variant Classification Sherloc (09022015). Collection method: clinical testing. Allele origin: germline.
Comment: This sequence change replaces threonine, which is neutral and polar, with alanine, which is neutral and non-polar, at codon 301 of the SMAD6 protein (p.Thr301Ala). This variant is present in population databases (no rsID available, gnomAD 0.003%). This variant has not been reported in the literature in individuals affected with SMAD6-related conditions. ClinVar contains an entry for this variant (Variation ID: 1422930). Advanced modeling of protein sequence and biophysical properties (such as structural, functional, and spatial information, amino acid conservation, physicochemical variation, residue mobility, and thermodynamic stability) performed at Invitae indicates that this missense variant is not expected to disrupt SMAD6 protein function with a negative predictive value of 80%. In summary, the available evidence is currently insufficient to determine the role of this variant in disease. Therefore, it has been classified as a Variant of Uncertain Significance.

NM_005585.5(SMAD6):c.901A>G (p.Thr301Ala)

Gene: SMAD6 (SMAD family member 6; plus strand). Cytogenetic location: 15q22.31.
Variant type: single nucleotide variant.
Coding change: c.901A>G on transcript NM_005585.5 (MANE Select); coding-DNA position 901, A replaced by G.
Protein change: p.Thr301Ala; replaces threonine 301 with alanine.
Molecular consequence: missense variant. On other transcripts: non-coding transcript variant (1).
Genome position (GRCh38, 1-based): chr15:66,716,447, A>G. VCF-style: chr15-66716447-A-G. GRCh37 (hg19) VCF-style: chr15-67008785-A-G.
Other names: short protein forms T301A.
Identifiers: ClinVar variation 1422930 (VCV001422930.6), dbSNP rs1470199537, ClinGen allele CA392951829.